The following is an entry in ClinVar:

NM_172250.3(MMAA):c.691T>C (p.Cys231Arg)

Gene: MMAA (metabolism of cobalamin associated A; plus strand). Cytogenetic location: 4q31.21.
Variant type: single nucleotide variant.
Coding change: c.691T>C on transcript NM_172250.3 (MANE Select); coding-DNA position 691, T replaced by C.
Protein change: p.Cys231Arg; replaces cysteine 231 with arginine.
Molecular consequence: missense variant.
Genome position (GRCh38, 1-based): chr4:145,646,114, T>C. VCF-style: chr4-145646114-T-C. GRCh37 (hg19) VCF-style: chr4-146567266-T-C.
Other names: c.691T>C, p.Cys231Arg (NM_001375644.1); short protein forms C231R.
Identifiers: ClinVar variation 1376437 (VCV001376437.6), dbSNP rs2126622891, ClinGen allele CA358356205.

ClinVar aggregate classification (germline): Uncertain significance (1 of 4 stars; one submission).

Conditions:
Methylmalonic aciduria, cblA type (MACA). Also called: Vitamin B12-responsive methylmalonic acidemia type cblA; Methylmalonic aciduria, vitamin b12-responsive, due to defect in synthesis of adenosylcobalamin, cbla complementation type; MMA cbl A type; Methylmalonic acidemia cblA type; Methylmalonic aciduria, vitamin B12-responsive. Identifiers: Orphanet 28, Orphanet 79310, MedGen C1855109, MONDO:0009613, OMIM 251100.

Allele frequency attached by ClinVar (database versions not stated): gnomAD exomes below 0.00001.
gnomAD v4.1: 1 of 1,614,092 alleles (0.000062%); highest among the groups gnomAD compares: Non-Finnish European, 0.000085%; no homozygotes.

Submission:

Labcorp Genetics (formerly Invitae), Labcorp
Classification: Uncertain significance for Methylmalonic aciduria, cblA type. Last evaluated: 2021-08-19. Review status: criteria provided, single submitter. Criteria: Invitae Variant Classification Sherloc (09022015). Collection method: clinical testing. Allele origin: germline.
Comment: This sequence change replaces cysteine with arginine at codon 231 of the MMAA protein (p.Cys231Arg). The cysteine residue is highly conserved and there is a large physicochemical difference between cysteine and arginine. In summary, the available evidence is currently insufficient to determine the role of this variant in disease. Therefore, it has been classified as a Variant of Uncertain Significance. Advanced modeling of protein sequence and biophysical properties (such as structural, functional, and spatial information, amino acid conservation, physicochemical variation, residue mobility, and thermodynamic stability) performed at Invitae indicates that this missense variant is expected to disrupt MMAA protein function. This missense change has been observed in individual(s) with MMAA-related conditions (Invitae). This variant is not present in population databases (ExAC no frequency).